The following is an entry in ClinVar:

ClinVar aggregate classification (germline): Benign (1 of 4 stars; one submission).

Conditions:
Interstitial lung disease due to ABCA3 deficiency. Also called: PULMONARY ALVEOLAR PROTEINOSIS, CONGENITAL, 3. Identifiers: Orphanet 440402, MedGen C1970456, MONDO:0012582, OMIM 610921.

Allele frequency attached by ClinVar (database versions not stated): gnomAD exomes 0.00210 and 0.00377; ExAC 0.00905; ESP Exome Variant Server 0.01571; gnomAD 0.01623 and 0.01729; TOPMed 0.01842; 1000 Genomes Project 0.02017; 1000 Genomes Project 30x 0.02124.

Submission:

Illumina Laboratory Services, Illumina
Classification: Benign for Interstitial lung disease due to ABCA3 deficiency. Last evaluated: 2018-01-13. Review status: criteria provided, single submitter. Criteria: ICSL Variant Classification Criteria 13 December 2019. Collection method: clinical testing. Allele origin: germline.
Comment: This variant was observed in the ICSL laboratory as part of a predisposition screen in an ostensibly healthy population. It had not been previously curated by ICSL or reported in the Human Gene Mutation Database (HGMD: prior to June 1st, 2018), and was therefore a candidate for classification through an automated scoring system. Utilizing variant allele frequency, disease prevalence and penetrance estimates, and inheritance mode, an automated score was calculated to assess if this variant is too frequent to cause the disease. Based on the score and internal cut-off values, a variant classified as benign is not then subjected to further curation. The score for this variant resulted in a classification of benign for this disease.

NM_001089.3(ABCA3):c.-27+10T>A

Gene: ABCA3 (ATP binding cassette subfamily A member 3; minus strand). Cytogenetic location: 16p13.3.
Variant type: single nucleotide variant.
Coding change: c.-27+10T>A on transcript NM_001089.3 (MANE Select); 10 bases into the intron after 27 bases upstream of the start codon, T replaced by A.
Molecular consequence: intron variant.
Genome position (GRCh38, 1-based): chr16:2,328,443, A>T on the plus strand (T>A on the coding strand, the complement: ABCA3 is on the minus strand). VCF-style: chr16-2328443-A-T. GRCh37 (hg19) VCF-style: chr16-2378444-A-T.
Identifiers: ClinVar variation 318579 (VCV000318579.5), dbSNP rs28517480, ClinGen allele CA7841859.